The following is an entry in ClinVar:

ClinVar aggregate classification (germline): Likely benign. Review status: criteria provided, multiple submitters, no conflicts (2 of 4 stars). 4 submissions from 4 submitters: Likely benign (3). 1 of the submissions does not count toward it. Last evaluated 2026-01-28.

Conditions:
Hereditary cancer-predisposing syndrome. Also called: Tumor predisposition; Hereditary neoplastic syndrome; Neoplastic Syndromes, Hereditary; Hereditary Cancer Syndrome. Identifiers: Orphanet 140162, MedGen C0027672, MeSH D009386, MONDO:0015356.
Gorlin syndrome. Also called: Nevoid Basal Cell Carcinoma Syndrome; Basal cell nevus syndrome. Identifiers: Orphanet 377, MedGen C0004779, MONDO:0007187.
PTCH1-related disorder. Also called: PTCH1-related disorders; PTCH1-related condition.

Allele frequency attached by ClinVar (database versions not stated): gnomAD 0.00004 and 0.00005; ExAC 0.00005; TOPMed 0.00005; gnomAD exomes 0.00006 and 0.00011.
gnomAD v4.1: 170 of 1,614,172 alleles (0.011%); highest among the groups gnomAD compares: Admixed American, 0.023%; no homozygotes.

Submissions (4):

Labcorp Genetics (formerly Invitae), Labcorp
Classification: Likely benign for Gorlin syndrome. Last evaluated: 2026-01-28. Review status: criteria provided, single submitter. Criteria: Invitae Variant Classification Sherloc (09022015). Collection method: clinical testing. Allele origin: germline.

CeGaT Center for Human Genetics Tuebingen
Classification: Likely benign. Last evaluated: 2024-09-01. Review status: criteria provided, single submitter. Criteria: CeGaT Center For Human Genetics Tuebingen Variant Classification Criteria Version 2. Collection method: clinical testing. Allele origin: germline. Affected: yes. Observed: 1 variant allele.
Comment: PTCH1: BP4, BP7

Ambry Genetics
Classification: Likely benign for Hereditary cancer-predisposing syndrome. Last evaluated: 2018-06-15. Review status: criteria provided, single submitter. Criteria: Ambry Variant Classification Scheme 2023. Collection method: clinical testing. Allele origin: germline.

PreventionGenetics, part of Exact Sciences
Classification: Likely benign for PTCH1-related condition. Last evaluated: 2023-03-06. Review status: no assertion criteria provided. Collection method: clinical testing. Allele origin: germline. Not counted in ClinVar's aggregate classification.
Comment: This variant is classified as likely benign based on ACMG/AMP sequence variant interpretation guidelines (Richards et al. 2015 PMID: 25741868, with internal and published modifications).

NM_000264.5(PTCH1):c.2814G>A (p.Gln938=)

Gene: PTCH1 (patched 1; minus strand). Cytogenetic location: 9q22.32.
Variant type: single nucleotide variant.
Coding change: c.2814G>A on transcript NM_000264.5 (MANE Select); coding-DNA position 2814, G replaced by A.
Protein change: p.Gln938=; no amino-acid change (glutamine 938 retained).
Molecular consequence: synonymous variant. On other transcripts: non-coding transcript variant (1).
Genome position (GRCh38, 1-based): chr9:95,459,673, C>T on the plus strand (G>A on the coding strand, the complement: PTCH1 is on the minus strand). VCF-style: chr9-95459673-C-T. GRCh37 (hg19) VCF-style: chr9-98221955-C-T.
Other names: c.2616G>A, p.Gln872= (NM_001083602.3); c.2811G>A, p.Gln937= (NM_001083603.3); c.2361G>A, p.Gln787= (NM_001083604.3, NM_001083605.3, NM_001083606.3 and 1 more transcripts); c.2658G>A, p.Gln886= (NM_001354918.2).
Identifiers: ClinVar variation 132698 (VCV000132698.32), dbSNP rs587780534, ClinGen allele CA331989.